The following is an entry in ClinVar:

NM_004519.4(KCNQ3):c.418G>A (p.Ala140Thr)

Gene: KCNQ3 (potassium voltage-gated channel subfamily Q member 3; minus strand). Cytogenetic location: 8q24.22.
Variant type: single nucleotide variant.
Coding change: c.418G>A on transcript NM_004519.4 (MANE Select); coding-DNA position 418, G replaced by A.
Protein change: p.Ala140Thr; replaces alanine 140 with threonine.
Molecular consequence: missense variant.
Genome position (GRCh38, 1-based): chr8:132,186,150, C>T on the plus strand (G>A on the coding strand, the complement: KCNQ3 is on the minus strand). VCF-style: chr8-132186150-C-T. GRCh37 (hg19) VCF-style: chr8-133198397-C-T.
Other names: c.58G>A, p.Ala20Thr (NM_001204824.2); short protein forms A140T, A20T.
Identifiers: ClinVar variation 3382615 (VCV003382615.2).

ClinVar aggregate classification (germline): Uncertain significance (1 of 4 stars; one submission).

Conditions:
Seizures, benign familial neonatal, 2. Also called: Benign Neonatal Epilepsy 2; CONVULSIONS, BENIGN FAMILIAL NEONATAL, 2; KCNQ3-Related Self-Limited Familial Neonatal Epilepsy (SLFNE); KCNQ3-Related Benign Familial Neonatal Epilepsy; Seizures, benign neonatal, 2. Identifiers: Orphanet 1949, MedGen C1852581, MONDO:0007366, OMIM 121201.

Submission:

Juno Genomics, Hangzhou Juno Genomics, Inc
Classification: Uncertain significance for Seizures, benign familial neonatal, 2. Review status: criteria provided, single submitter. Criteria: ACMG Guidelines, 2015. Collection method: clinical testing. Allele origin: germline. Affected: yes.
Comment: Absent from controls (or at extremely low frequency if recessive) in Genome Aggregation Database, Exome Sequencing Project, 1000 Genomes Project, or Exome Aggregation Consortium.;Multiple lines of computational evidence support a deleterious effect on the gene or gene product (conservation, evolutionary, splicing impact, etc).;De novo (both maternity and paternity confirmed) in a patient with the disease and no family history.